The following is an entry in ClinVar:

ClinVar aggregate classification (germline): Pathogenic. Review status: criteria provided, single submitter (1 of 4 stars). 2 submissions from 2 submitters: Pathogenic (1). 1 of the submissions does not count toward it. Last evaluated 2026-01-29.

Conditions:
USH2A-related disorder. Also called: USH2A-related disorders; USH2A-related condition. Identifiers: MedGen CN239332.
Retinal dystrophy. Also called: Inherited retinal dystrophy. Identifiers: Orphanet 71862, MedGen C0854723, MeSH D058499, MONDO:0019118, HP:0000556.

Submissions (2):

Myriad Genetics, Inc.
Classification: Pathogenic for USH2A-related disorder. Last evaluated: 2026-01-29. Review status: criteria provided, single submitter. Criteria: Myriad Autosomal Dominant, Autosomal Recessive and X-Linked Classification Criteria (2023). Collection method: clinical testing. Allele origin: unknown.
Comment: NM_206933.2(USH2A):c.14626delC(L4876Sfs*8) is a frameshift variant classified as pathogenic in the context of USH2A-related disorders. L4876Sfs*8 has been observed in a case with relevant disease (PMID: 39462066). Relevant functional assessments of this variant are not available in the literature. L4876Sfs*8 has not been observed in referenced population frequency databases. In summary, NM_206933.2(USH2A):c.14626delC(L4876Sfs*8) is a frameshift variant in a gene where loss of function is a known mechanism of disease, is predicted to disrupt protein function, and has been observed more frequently in cases with the relevant disease than in healthy populations. Please note: this variant was assessed in the context of healthy population screening.

Institute of Human Genetics, Univ. Regensburg, Univ. Regensburg
Classification: Pathogenic for Retinal dystrophy. Last evaluated: 2019-01-01. Review status: no assertion criteria provided. Criteria: ACMG Guidelines, 2015. Collection method: clinical testing. Allele origin: germline. Affected: yes. Not counted in ClinVar's aggregate classification.

Literature cited by the submitters: PubMed 39462066 (cited by Myriad Genetics, Inc.).

NM_206933.4(USH2A):c.14626del (p.Leu4876fs)

Gene: USH2A (usherin; minus strand). Cytogenetic location: 1q41.
Variant type: Deletion.
Coding change: c.14626del on transcript NM_206933.4 (MANE Select); coding-DNA position 14626, one base deleted (C; older notation c.14626delC).
Protein change: p.Leu4876fs; shifts the reading frame from leucine 4876.
Molecular consequence: frameshift variant.
Genome position (GRCh38, 1-based): chr1:215,647,687, G deleted on the plus strand (C on the coding strand, the reverse complement: USH2A is on the minus strand); the first of 3 consecutive G bases (chr1:215,647,687-215,647,689); deleting any one gives the same sequence. VCF-style (leftmost placement, unchanged base first): chr1-215647686-AG-A. GRCh37 (hg19) VCF-style: chr1-215821028-AG-A.
Other names: short protein forms L4876fs.
Identifiers: ClinVar variation 3248741 (VCV003248741.2).
Genomic context (GRCh38, chr1:215,647,686, plus strand): 5'-AGGCTGGCTTTCTGCCCCAGCCCCGTGTACTTTGTTTCTATTTGGCTGGGAGTACAGGGG[AG>A]GGCTGAGTCAGGAGGGCAAGCCACGTGGAATTGGAGTTCATAGCTAAAATGAGAATGGAT-3'